The following is an entry in ClinVar:

NM_152416.4(NDUFAF6):c.326T>C (p.Ile109Thr)

Gene: NDUFAF6 (NADH:ubiquinone oxidoreductase complex assembly factor 6; plus strand). Cytogenetic location: 8q22.1.
Variant type: single nucleotide variant.
Coding change: c.326T>C on transcript NM_152416.4 (MANE Select); coding-DNA position 326, T replaced by C.
Protein change: p.Ile109Thr; replaces isoleucine 109 with threonine.
Molecular consequence: missense variant. On other transcripts: 5 prime UTR variant (14), non-coding transcript variant (6).
Genome position (GRCh38, 1-based): chr8:95,035,482, T>C. VCF-style: chr8-95035482-T-C. GRCh37 (hg19) VCF-style: chr8-96047710-T-C.
Other names: c.50T>C, p.Ile17Thr (NM_001330582.2, NM_001354514.2, NM_001354515.2 and 1 more transcripts); c.170T>C, p.Ile57Thr (NM_001354516.2); c.-8T>C (NM_001354517.2, NM_001354518.2, NM_001354519.2 and 1 more transcripts); c.-255T>C (NM_001354522.2, NM_001354529.2, NM_001354530.2 and 1 more transcripts); c.-324T>C (NM_001354524.2, NM_001354525.2, NM_001354528.2 and 1 more transcripts); c.-353T>C (NM_001354527.2, NM_001354531.2); short protein forms I109T, I17T, I57T.
Identifiers: ClinVar variation 449590 (VCV000449590.2), dbSNP rs372565148, ClinGen allele CA4814746.

ClinVar aggregate classification (germline): Uncertain significance (1 of 4 stars; one submission).

Allele frequency attached by ClinVar (database versions not stated): gnomAD exomes 0.00001 and 0.00002; ExAC 0.00002; TOPMed 0.00004; gnomAD 0.00005; ESP Exome Variant Server 0.00008.
gnomAD v4.1: 18 of 1,613,632 alleles (0.0011%); highest among the groups gnomAD compares: African/African-American, 0.015%; no homozygotes.

Submission:

GeneDx
Classification: Uncertain significance. Last evaluated: 2017-11-08. Review status: criteria provided, single submitter. Criteria: GeneDx Variant Classification (06012015). Collection method: clinical testing. Allele origin: germline. Affected: yes.
Comment: The I109T variant has not been published as a pathogenic variant, nor has it been reported as a benign variant to our knowledge. The I109T variant is observed in 5/24,010 (0.02%) alleles from individuals of African background, in the ExAC dataset (Lek et al., 2016). The I109T variant is a non-conservative amino acid substitution, which is likely to impact secondary protein structure as these residues differ in polarity, charge, size and/or other properties. In-silico analyses, including protein predictors and evolutionary conservation, support a deleterious effect. In summary, based on the currently available information, it is unclear whether this variant is a pathogenic variant or a rare benign variant.